The following is an entry in ClinVar:

NM_001024845.3(SLC6A9):c.407C>T (p.Ser136Leu)

Gene: SLC6A9 (solute carrier family 6 member 9; minus strand). Cytogenetic location: 1p34.1.
Variant type: single nucleotide variant.
Coding change: c.407C>T on transcript NM_001024845.3 (MANE Select); coding-DNA position 407, C replaced by T.
Protein change: p.Ser136Leu; replaces serine 136 with leucine.
Molecular consequence: missense variant. On other transcripts: non-coding transcript variant (1).
Genome position (GRCh38, 1-based): chr1:44,008,536, G>A on the plus strand (C>T on the coding strand, the complement: SLC6A9 is on the minus strand). VCF-style: chr1-44008536-G-A. GRCh37 (hg19) VCF-style: chr1-44474208-G-A.
Other names: c.419C>T, p.Ser140Leu (NM_001261380.2); c.74C>T, p.Ser25Leu (NM_001328626.2, NM_001328630.2); c.344C>T, p.Ser115Leu (NM_001328627.1); c.212C>T, p.Ser71Leu (NM_001328628.1); c.407C>T, p.Ser136Leu (NM_001328629.1); c.464C>T, p.Ser155Leu (NM_006934.4); c.626C>T, p.Ser209Leu (NM_201649.4); c.626C>T (NM_201649.2); short protein forms S115L, S140L, S155L, S209L, S25L, S71L, S136L.
Identifiers: ClinVar variation 1031820 (VCV001031820.8), dbSNP rs201065535, ClinGen allele CA817806.

ClinVar aggregate classification (germline): Uncertain significance. Review status: criteria provided, multiple submitters, no conflicts (2 of 4 stars). 3 submissions from 3 submitters: Uncertain significance (3). Last evaluated 2025-08-11.

Conditions:
Atypical glycine encephalopathy. Also called: Glycine encephalopathy with normal serum glycine. Identifiers: Orphanet 289863, MedGen C4310943, MONDO:0015010, OMIM 617301.
Inborn genetic diseases. Identifiers: MedGen C0950123, MeSH D030342.

Allele frequency attached by ClinVar (database versions not stated): gnomAD exomes 0.00002 and 0.00005; TOPMed 0.00002; ExAC 0.00003; gnomAD 0.00004; ESP Exome Variant Server 0.00008; 1000 Genomes Project 30x 0.00016; 1000 Genomes Project 0.00020.

Submissions (3):

Labcorp Genetics (formerly Invitae), Labcorp
Classification: Uncertain significance for Atypical glycine encephalopathy. Last evaluated: 2025-08-11. Review status: criteria provided, single submitter. Criteria: Invitae Variant Classification Sherloc (09022015). Collection method: clinical testing. Allele origin: germline.
Comment: This sequence change replaces serine, which is neutral and polar, with leucine, which is neutral and non-polar, at codon 209 of the SLC6A9 protein (p.Ser209Leu). This variant is present in population databases (rs201065535, gnomAD 0.03%). This variant has not been reported in the literature in individuals affected with SLC6A9-related conditions. ClinVar contains an entry for this variant (Variation ID: 1031820). An algorithm developed to predict the effect of missense changes on protein structure and function (PolyPhen-2) suggests that this variant is likely to be tolerated. In summary, the available evidence is currently insufficient to determine the role of this variant in disease. Therefore, it has been classified as a Variant of Uncertain Significance.

Ambry Genetics
Classification: Uncertain significance for Inborn genetic diseases. Last evaluated: 2024-11-24. Review status: criteria provided, single submitter. Criteria: Ambry Variant Classification Scheme 2023. Collection method: clinical testing. Allele origin: germline.

Baylor Genetics
Classification: Uncertain significance for Atypical glycine encephalopathy. Last evaluated: 2018-03-01. Review status: criteria provided, single submitter. Criteria: ACMG Guidelines, 2015. Collection method: clinical testing. Allele origin: paternal. Affected: yes.
Comment: This variant was determined to be of uncertain significance according to ACMG Guidelines, 2015 [PMID:25741868].